The following is an entry in ClinVar:

ClinVar aggregate classification (germline): Likely benign. Review status: criteria provided, single submitter (1 of 4 stars). 2 submissions from 2 submitters: Likely benign (1). 1 of the submissions does not count toward it. Last evaluated 2025-12-23.

Conditions:
PLXNA2-related disorder. Also called: PLXNA2-related condition.

Allele frequency attached by ClinVar (database versions not stated): gnomAD 0.00004; TOPMed 0.00005; ESP Exome Variant Server 0.00008; gnomAD exomes 0.00008; ExAC 0.00017.
gnomAD v4.1: 127 of 1,613,558 alleles (0.0079%); highest among the groups gnomAD compares: South Asian, 0.034%; 1 homozygote.

Submissions (2):

Labcorp Genetics (formerly Invitae), Labcorp
Classification: Likely benign. Last evaluated: 2025-12-23. Review status: criteria provided, single submitter. Criteria: Invitae Variant Classification Sherloc (09022015). Collection method: clinical testing. Allele origin: germline.

PreventionGenetics, part of Exact Sciences
Classification: Likely benign for PLXNA2-related condition. Last evaluated: 2021-08-23. Review status: no assertion criteria provided. Collection method: clinical testing. Allele origin: germline. Not counted in ClinVar's aggregate classification.
Comment: This variant is classified as likely benign based on ACMG/AMP sequence variant interpretation guidelines (Richards et al. 2015 PMID: 25741868, with internal and published modifications).

NM_025179.4(PLXNA2):c.4284G>A (p.Arg1428=)

Gene: PLXNA2 (plexin A2; minus strand). Cytogenetic location: 1q32.2.
Variant type: single nucleotide variant.
Coding change: c.4284G>A on transcript NM_025179.4 (MANE Select); coding-DNA position 4284, G replaced by A.
Protein change: p.Arg1428=; no amino-acid change (arginine 1428 retained).
Molecular consequence: synonymous variant.
Genome position (GRCh38, 1-based): chr1:208,042,100, C>T on the plus strand (G>A on the coding strand, the complement: PLXNA2 is on the minus strand). VCF-style: chr1-208042100-C-T. GRCh37 (hg19) VCF-style: chr1-208215445-C-T.
Identifiers: ClinVar variation 3029302 (VCV003029302.3), dbSNP rs146708658, ClinGen allele CA1372935.